The following is an entry in ClinVar:

NM_006231.4(POLE):c.6314T>C (p.Ile2105Thr)

Gene: POLE (DNA polymerase epsilon, catalytic subunit; minus strand). Cytogenetic location: 12q24.33.
Variant type: single nucleotide variant.
Coding change: c.6314T>C on transcript NM_006231.4 (MANE Select); coding-DNA position 6314, T replaced by C.
Protein change: p.Ile2105Thr; replaces isoleucine 2105 with threonine.
Molecular consequence: missense variant.
Genome position (GRCh38, 1-based): chr12:132,632,331, A>G on the plus strand (T>C on the coding strand, the complement: POLE is on the minus strand). VCF-style: chr12-132632331-A-G. GRCh37 (hg19) VCF-style: chr12-133208917-A-G.
Other names: short protein forms I2105T.
Identifiers: ClinVar variation 2088772 (VCV002088772.4), dbSNP rs2138459349, ClinGen allele CA387369224.

ClinVar aggregate classification (germline): Uncertain significance (1 of 4 stars; one submission).

Submission:

Labcorp Genetics (formerly Invitae), Labcorp
Classification: Uncertain significance. Last evaluated: 2022-03-08. Review status: criteria provided, single submitter. Criteria: Invitae Variant Classification Sherloc (09022015). Collection method: clinical testing. Allele origin: germline.
Comment: In summary, the available evidence is currently insufficient to determine the role of this variant in disease. Therefore, it has been classified as a Variant of Uncertain Significance. Algorithms developed to predict the effect of missense changes on protein structure and function are either unavailable or do not agree on the potential impact of this missense change (SIFT: "Deleterious"; PolyPhen-2: "Benign"; Align-GVGD: "Class C0"). This variant has not been reported in the literature in individuals affected with POLE-related conditions. This variant is not present in population databases (gnomAD no frequency). This sequence change replaces isoleucine, which is neutral and non-polar, with threonine, which is neutral and polar, at codon 2105 of the POLE protein (p.Ile2105Thr).